The following is an entry in ClinVar:

NM_001267550.2(TTN):c.100590_100591del (p.Tyr33530_Arg33531delinsTer)

Genes: TTN (titin; minus strand), TTN-AS1 (TTN antisense RNA 1; plus strand). Cytogenetic location: 2q31.2.
Variant type: Deletion.
Coding change: c.100590_100591del on transcript NM_001267550.2 (MANE Select); coding-DNA positions 100590 to 100591, 2 bases deleted (CA; older notation c.100590_100591delCA).
Protein change: p.Tyr33530_Arg33531delinsTer.
Molecular consequence: nonsense.
Genome position (GRCh38, 1-based): chr2:178,536,156-178,536,157, TG deleted on the plus strand (CA on the coding strand, the reverse complement: TTN is on the minus strand); deleting any 2 consecutive bases within chr2:178,536,156-178,536,158 gives the same sequence; the c. name uses the placement nearest the transcript's 3' end. VCF-style (leftmost placement, unchanged base first): chr2-178536155-CTG-C. GRCh37 (hg19) VCF-style: chr2-179400882-CTG-C.
Other names: c.95667_95668del, p.Tyr31889_Arg31890delinsTer (NM_001256850.1); c.73395_73396del, p.Tyr24465_Arg24466delinsTer (NM_003319.4); c.92886_92887del, p.Tyr30962_Arg30963delinsTer (NM_133378.4); c.73770_73771del, p.Tyr24590_Arg24591delinsTer (NM_133432.3); c.73971_73972del, p.Tyr24657_Arg24658delinsTer (NM_133437.4).
Identifiers: ClinVar variation 3754532 (VCV003754532.2).

ClinVar aggregate classification (germline): Likely pathogenic (1 of 4 stars; one submission).

Conditions:
Autosomal recessive limb-girdle muscular dystrophy type 2J (LGMDR10). Also called: Limb-girdle muscular dystrophy, type 2J; MUSCULAR DYSTROPHY, LIMB-GIRDLE, AUTOSOMAL RECESSIVE 10. Identifiers: Orphanet 140922, MedGen C1837342, MONDO:0012127, OMIM 608807.
Dilated cardiomyopathy 1G (CMD1G). Identifiers: Orphanet 154, MedGen C1858763, MONDO:0011400, OMIM 604145.

Submission:

Labcorp Genetics (formerly Invitae), Labcorp
Classification: Likely pathogenic for Dilated cardiomyopathy 1G; Autosomal recessive limb-girdle muscular dystrophy type 2J. Last evaluated: 2025-01-17. Review status: criteria provided, single submitter. Criteria: Invitae Variant Classification Sherloc (09022015). Collection method: clinical testing. Allele origin: germline.
Comment: This sequence change creates a premature translational stop signal (p.Tyr33530*) in the TTN gene. While this is not anticipated to result in nonsense mediated decay, it is expected to create a truncated TTN protein. This variant is not present in population databases (gnomAD no frequency). This variant has not been reported in the literature in individuals affected with TTN-related conditions. This variant is located in the A band of TTN (PMID: 25589632). Truncating variants in this region are significantly overrepresented in patients affected with dilated cardiomyopathy (PMID: 25589632). Truncating variants in this region have also been reported in individuals affected with autosomal recessive centronuclear myopathy (PMID: 23975875). In summary, the currently available evidence indicates that the variant is pathogenic, but additional data are needed to prove that conclusively. Therefore, this variant has been classified as Likely Pathogenic.

Literature cited by the submitters: PubMed 25589632; PubMed 23975875.